The following is an entry in ClinVar:

ClinVar aggregate classification (germline): Uncertain significance (1 of 4 stars; one submission).

Submission:

Labcorp Genetics (formerly Invitae), Labcorp
Classification: Uncertain significance. Last evaluated: 2021-12-02. Review status: criteria provided, single submitter. Criteria: Invitae Variant Classification Sherloc (09022015). Collection method: clinical testing. Allele origin: germline.
Comment: This sequence change creates a premature translational stop signal (p.Glu354Argfs*25) in the SNIP1 gene. While this is not anticipated to result in nonsense mediated decay, it is expected to disrupt the last 43 amino acid(s) of the SNIP1 protein. This variant is not present in population databases (gnomAD no frequency). This variant has not been reported in the literature in individuals affected with SNIP1-related conditions. Experimental studies and prediction algorithms are not available or were not evaluated, and the functional significance of this variant is currently unknown. In summary, the available evidence is currently insufficient to determine the role of this variant in disease. Therefore, it has been classified as a Variant of Uncertain Significance.

NM_024700.4(SNIP1):c.1060_1063del (p.Glu354fs)

Gene: SNIP1 (Smad nuclear interacting protein 1; minus strand). Cytogenetic location: 1p34.3.
Variant type: Deletion.
Coding change: c.1060_1063del on transcript NM_024700.4 (MANE Select); coding-DNA positions 1060 to 1063, 4 bases deleted (GAAA; older notation c.1060_1063delGAAA).
Protein change: p.Glu354fs; shifts the reading frame from glutamic acid 354.
Molecular consequence: frameshift variant.
Genome position (GRCh38, 1-based): chr1:37,537,876-37,537,879, TTTC deleted on the plus strand (GAAA on the coding strand, the reverse complement: SNIP1 is on the minus strand); deleting any 4 consecutive bases within chr1:37,537,876-37,537,882 gives the same sequence; the c. name uses the placement nearest the transcript's 3' end. VCF-style (leftmost placement, unchanged base first): chr1-37537875-TTTTC-T. GRCh37 (hg19) VCF-style: chr1-38003476-TTTTC-T.
Other names: short protein forms E354fs.
Identifiers: ClinVar variation 1434612 (VCV001434612.8), dbSNP rs2148111636, ClinGen allele CA2573132262.